The following is an entry in ClinVar:

NM_016938.5(EFEMP2):c.491-13C>G

Gene: EFEMP2 (EGF-like fibulin extracellular matrix protein 2; minus strand). Cytogenetic location: 11q13.1.
Variant type: single nucleotide variant.
Coding change: c.491-13C>G on transcript NM_016938.5 (MANE Select); 13 bases into the intron before coding-DNA position 491, C replaced by G.
Molecular consequence: intron variant.
Genome position (GRCh38, 1-based): chr11:65,870,250, G>C on the plus strand (C>G on the coding strand, the complement: EFEMP2 is on the minus strand). VCF-style: chr11-65870250-G-C. GRCh37 (hg19) VCF-style: chr11-65637721-G-C.
Identifiers: ClinVar variation 2104751 (VCV002104751.4), dbSNP rs1387623527, ClinGen allele CA600229840.

ClinVar aggregate classification (germline): Uncertain significance (1 of 4 stars; one submission).

Conditions:
Cutis laxa, autosomal recessive, type 1B (ARCL1B). Also called: CUTIS LAXA, AUTOSOMAL RECESSIVE, TYPE IB; EFEMP2-Related Cutis Laxa. Identifiers: Orphanet 90349, MedGen C3280798, MONDO:0013754, OMIM 614437. Disease mechanism: loss of function.

gnomAD v4.1: 1 of 1,612,024 alleles (0.000062%); no homozygotes.

Submission:

Labcorp Genetics (formerly Invitae), Labcorp
Classification: Uncertain significance for Cutis laxa, autosomal recessive, type 1B. Last evaluated: 2022-08-22. Review status: criteria provided, single submitter. Criteria: Invitae Variant Classification Sherloc (09022015). Collection method: clinical testing. Allele origin: germline.
Comment: In summary, the available evidence is currently insufficient to determine the role of this variant in disease. Therefore, it has been classified as a Variant of Uncertain Significance. This sequence change falls in intron 5 of the EFEMP2 gene. It does not directly change the encoded amino acid sequence of the EFEMP2 protein. This variant is present in population databases (no rsID available, gnomAD 0.0009%). This variant has not been reported in the literature in individuals affected with EFEMP2-related conditions. Algorithms developed to predict the effect of sequence changes on RNA splicing suggest that this variant may create or strengthen a splice site.